The following is an entry in ClinVar:

NM_145064.3(STAC3):c.999C>A (p.Ile333=)

Gene: STAC3 (SH3 and cysteine rich domain 3; minus strand). Cytogenetic location: 12q13.3.
Variant type: single nucleotide variant.
Coding change: c.999C>A on transcript NM_145064.3 (MANE Select); coding-DNA position 999, C replaced by A.
Protein change: p.Ile333=; no amino-acid change (isoleucine 333 retained).
Molecular consequence: synonymous variant. On other transcripts: non-coding transcript variant (1).
Genome position (GRCh38, 1-based): chr12:57,243,908, G>T on the plus strand (C>A on the coding strand, the complement: STAC3 is on the minus strand). VCF-style: chr12-57243908-G-T. GRCh37 (hg19) VCF-style: chr12-57637691-G-T.
Other names: c.882C>A, p.Ile294= (NM_001286256.2); c.441C>A, p.Ile147= (NM_001286257.2).
Identifiers: ClinVar variation 4741884 (VCV004741884.1).

ClinVar aggregate classification (germline): Uncertain significance (1 of 4 stars; one submission).

Conditions:
Bailey-Bloch congenital myopathy (CMYO13). Also called: Native American myopathy; STAC3 disorder; Congenital myopathy 13. Identifiers: Orphanet 168572, MedGen C1850625, MONDO:0009722, OMIM 255995.

gnomAD v4.1: 5 of 1,613,598 alleles (0.00031%); highest among the groups gnomAD compares: East Asian, 0.0022%; no homozygotes.

Submission:

Labcorp Genetics (formerly Invitae), Labcorp
Classification: Uncertain significance for Bailey-Bloch congenital myopathy. Last evaluated: 2025-04-08. Review status: criteria provided, single submitter. Criteria: Invitae Variant Classification Sherloc (09022015). Collection method: clinical testing. Allele origin: germline.
Comment: This sequence change affects codon 333 of the STAC3 mRNA. It is a 'silent' change, meaning that it does not change the encoded amino acid sequence of the STAC3 protein. This variant is not present in population databases (gnomAD no frequency). This variant has not been reported in the literature in individuals affected with STAC3-related conditions. Algorithms developed to predict the effect of sequence changes on RNA splicing suggest that this variant may create or strengthen a splice site. In summary, the available evidence is currently insufficient to determine the role of this variant in disease. Therefore, it has been classified as a Variant of Uncertain Significance.